The following is an entry in ClinVar:

NM_001127511.3(APC):c.-149A>C

Gene: APC (APC regulator of Wnt signaling pathway; plus strand). Cytogenetic location: 5q22.2.
Variant type: single nucleotide variant.
Coding change: c.-149A>C on transcript NM_001127511.3; 149 bases upstream of the start codon, A replaced by C.
Molecular consequence: 5 prime UTR variant. On other transcripts: non-coding transcript variant (2).
Genome position (GRCh38, 1-based): chr5:112,707,569, A>C. VCF-style: chr5-112707569-A-C. GRCh37 (hg19) VCF-style: chr5-112043266-A-C.
Other names: c.-332A>C (NM_001354895.2, NM_001407447.1, NM_001407452.1 and 3 more transcripts); c.-149A>C (NM_001354897.2, NM_001354902.2, NM_001407446.1); c.-99A>C (NM_001407448.1, NM_001407450.1, NM_001407457.1 and 1 more transcripts); c.-123A>C (NM_001407453.1); c.-1367A>C (NM_001407470.1, NM_001407472.1).
Identifiers: ClinVar variation 469841 (VCV000469841.11), dbSNP rs922676017, ClinGen allele CA124924908.

ClinVar aggregate classification (germline): Uncertain significance (1 of 4 stars; one submission).

Conditions:
Familial adenomatous polyposis 1 (FAP1). Also called: FAMILIAL ADENOMATOUS POLYPOSIS 1, ATTENUATED; POLYPOSIS, ADENOMATOUS INTESTINAL. Identifiers: MedGen C2713442, MONDO:0021056, OMIM 175100. Disease mechanism: loss of function.

Allele frequency attached by ClinVar (database versions not stated): gnomAD exomes below 0.00001; TOPMed 0.00001.
gnomAD v4.1: 3 of 784,870 alleles (0.00038%); highest among the groups gnomAD compares: Non-Finnish European, 0.00056%; no homozygotes.

Submission:

Labcorp Genetics (formerly Invitae), Labcorp
Classification: Uncertain significance for Familial adenomatous polyposis 1. Last evaluated: 2025-12-03. Review status: criteria provided, single submitter. Criteria: Invitae Variant Classification Sherloc (09022015). Collection method: clinical testing. Allele origin: germline.
Comment: This variant occurs in a non-coding region of the APC gene. It does not change the encoded amino acid sequence of the APC protein. This variant is not present in population databases (gnomAD no frequency). This variant has not been reported in the literature in individuals affected with APC-related conditions. ClinVar contains an entry for this variant (Variation ID: 469841). Experimental studies and prediction algorithms are not available or were not evaluated, and the functional significance of this variant is currently unknown. In summary, the available evidence is currently insufficient to determine the role of this variant in disease. Therefore, it has been classified as a Variant of Uncertain Significance.